The following is an entry in ClinVar:

NM_006015.6(ARID1A):c.2965C>T (p.Pro989Ser)

Gene: ARID1A (AT-rich interaction domain 1A; plus strand). Cytogenetic location: 1p36.11.
Variant type: single nucleotide variant.
Coding change: c.2965C>T on transcript NM_006015.6 (MANE Select); coding-DNA position 2965, C replaced by T.
Protein change: p.Pro989Ser; replaces proline 989 with serine.
Molecular consequence: missense variant.
Genome position (GRCh38, 1-based): chr1:26,766,543, C>T. VCF-style: chr1-26766543-C-T. GRCh37 (hg19) VCF-style: chr1-27093034-C-T.
Other names: c.2965C>T, p.Pro989Ser (NM_139135.4); short protein forms P989S.
Identifiers: ClinVar variation 4769089 (VCV004769089.1).
Genomic context (GRCh38, chr1:26,766,543, plus strand): 5'-GGCCTTGGGGATGTAAAGTTAACTCCAGCCACCAAAATGAACAACAAGGCAGATGGGACA[C>T]CCAAGACAGAATCCAAATCCAAGGTAGTGATTTTTGTCTTGACTCCTTTCAACTTTGTGT-3'
Protein context (NP_006006.3, residues 979-999): TKMNNKADGT[Pro989Ser]KTESKSKKSS

ClinVar aggregate classification (germline): Uncertain significance (1 of 4 stars; one submission).

gnomAD v4.1: 1 of 1,612,968 alleles (0.000062%); highest among the groups gnomAD compares: Non-Finnish European, 0.000085%; no homozygotes.

Submission:

Labcorp Genetics (formerly Invitae), Labcorp
Classification: Uncertain significance. Last evaluated: 2025-11-24. Review status: criteria provided, single submitter. Criteria: Invitae Variant Classification Sherloc (09022015). Collection method: clinical testing. Allele origin: germline.
Comment: This sequence change replaces proline, which is neutral and non-polar, with serine, which is neutral and polar, at codon 989 of the ARID1A protein (p.Pro989Ser). This variant is present in population databases (rs775307425, gnomAD 0.0009%). This variant has not been reported in the literature in individuals affected with ARID1A-related conditions. Invitae Evidence Modeling of protein sequence and biophysical properties (such as structural, functional, and spatial information, amino acid conservation, physicochemical variation, residue mobility, and thermodynamic stability) indicates that this missense variant is not expected to disrupt ARID1A protein function with a negative predictive value of 80%. In summary, the available evidence is currently insufficient to determine the role of this variant in disease. Therefore, it has been classified as a Variant of Uncertain Significance.